The following is an entry in ClinVar:

NM_007294.4(BRCA1):c.298G>T (p.Glu100Ter)

Gene: BRCA1 (BRCA1 DNA repair associated; minus strand). Cytogenetic location: 17q21.31.
Variant type: single nucleotide variant.
Coding change: c.298G>T on transcript NM_007294.4 (MANE Select); coding-DNA position 298, G replaced by T.
Protein change: p.Glu100Ter; replaces glutamic acid 100 with a stop codon.
Molecular consequence: nonsense. On other transcripts: non-coding transcript variant (1).
Genome position (GRCh38, 1-based): chr17:43,104,871, C>A on the plus strand (G>T on the coding strand, the complement: BRCA1 is on the minus strand). VCF-style: chr17-43104871-C-A. GRCh37 (hg19) VCF-style: chr17-41256888-C-A.
Other names: c.298G>T, p.Glu100Ter (NM_001407670.1, NM_001407671.1, NM_001407672.1 and 165 more transcripts); c.157G>T, p.Glu53Ter (NM_001407692.1, NM_001407694.1, NM_001407695.1 and 99 more transcripts); c.88G>T, p.Glu30Ter (NM_001407853.1, NM_001407879.1, NM_001407881.1 and 58 more transcripts); c.220G>T, p.Glu74Ter (NM_001407862.1, NM_001407874.1, NM_001407875.1 and 21 more transcripts); c.-84G>T (NM_001407959.1, NM_001407960.1, NM_001407962.1 and 4 more transcripts); c.166G>T, p.Glu56Ter (NM_001408451.1); short protein forms E100*, E53*, E56*, E30*, E74*.
Identifiers: ClinVar variation 868366 (VCV000868366.4), dbSNP rs2054670804, ClinGen allele CA10601558.

ClinVar aggregate classification (germline): Likely pathogenic (1 of 4 stars; one submission).

Conditions:
Breast-ovarian cancer, familial, susceptibility to, 1 (BROVCA1). Also called: BRCA1 Hereditary Breast and Ovarian Cancer; OVARIAN CANCER, SUSCEPTIBILITY TO. Identifiers: Orphanet 145, MedGen C2676676, MONDO:0011450, OMIM 604370. Disease mechanism: loss of function.

Submissions (2):

Myriad Genetics, Inc.
Classification: Likely pathogenic for Breast-ovarian cancer, familial, susceptibility to, 1. Last evaluated: 2026-04-22. Review status: criteria provided, single submitter. Criteria: Myriad Autosomal Dominant, Autosomal Recessive and X-Linked Classification Criteria (2023). Collection method: clinical testing. Allele origin: unknown.
Comment: This variant is considered likely pathogenic. This variant creates a termination codon and is predicted to result in premature protein truncation.

Brotman Baty Institute, University of Washington
No classification provided (evidence only). Condition: Breast-ovarian cancer, familial 1. Review status: no classification provided. Collection method: in vitro. Allele origin: not applicable. Functional consequence: functionally_abnormal. Not counted in ClinVar's aggregate classification.
ClinVar note: "not provided" was previously submitted as the classification for the variant. However, the classification appeared to be based only on an observation of functional data so it was converted to no classification on 2025-07-30.